The following is an entry in ClinVar:

NM_018451.5(CPAP):c.3854A>G (p.Asn1285Ser)

Genes: CPAP (centrosome assembly and centriole elongation protein; minus strand), RNF17 (ring finger protein 17; plus strand). Cytogenetic location: 13q12.12.
Variant type: single nucleotide variant.
Coding change: c.3854A>G on transcript NM_018451.5 (MANE Select); coding-DNA position 3854, A replaced by G.
Protein change: p.Asn1285Ser; replaces asparagine 1285 with serine.
Molecular consequence: missense variant. On other transcripts: non-coding transcript variant (2).
Genome position (GRCh38, 1-based): chr13:24,883,340, T>C on the plus strand (A>G on the coding strand, the complement: CPAP is on the minus strand). VCF-style: chr13-24883340-T-C. GRCh37 (hg19) VCF-style: chr13-25457478-T-C.
Other names: short protein forms N1285S.
Identifiers: ClinVar variation 1393112 (VCV001393112.6), dbSNP rs1953918023, ClinGen allele CA387594784.

ClinVar aggregate classification (germline): Uncertain significance (1 of 4 stars; one submission).

Allele frequency attached by ClinVar (database versions not stated): TOPMed below 0.00001.
gnomAD v4.1: 3 of 1,613,328 alleles (0.00019%); highest among the groups gnomAD compares: Non-Finnish European, 0.00025%; no homozygotes.

Submission:

Labcorp Genetics (formerly Invitae), Labcorp
Classification: Uncertain significance. Last evaluated: 2023-10-03. Review status: criteria provided, single submitter. Criteria: Invitae Variant Classification Sherloc (09022015). Collection method: clinical testing. Allele origin: germline.
Comment: This sequence change replaces asparagine, which is neutral and polar, with serine, which is neutral and polar, at codon 1285 of the CENPJ protein (p.Asn1285Ser). This variant is not present in population databases (gnomAD no frequency). This variant has not been reported in the literature in individuals affected with CENPJ-related conditions. ClinVar contains an entry for this variant (Variation ID: 1393112). Advanced modeling of protein sequence and biophysical properties (such as structural, functional, and spatial information, amino acid conservation, physicochemical variation, residue mobility, and thermodynamic stability) performed at Invitae indicates that this missense variant is expected to disrupt CENPJ protein function. In summary, the available evidence is currently insufficient to determine the role of this variant in disease. Therefore, it has been classified as a Variant of Uncertain Significance.